The following is an entry in ClinVar:

NM_003239.5(TGFB3):c.927-19T>G

Gene: TGFB3 (transforming growth factor beta 3; minus strand). Cytogenetic location: 14q24.3.
Variant type: single nucleotide variant.
Coding change: c.927-19T>G on transcript NM_003239.5 (MANE Select); 19 bases into the intron before coding-DNA position 927, T replaced by G.
Molecular consequence: intron variant.
Genome position (GRCh38, 1-based): chr14:75,961,095, A>C on the plus strand (T>G on the coding strand, the complement: TGFB3 is on the minus strand). VCF-style: chr14-75961095-A-C. GRCh37 (hg19) VCF-style: chr14-76427438-A-C.
Other names: c.927-19T>G (NM_001329939.2).
Identifiers: ClinVar variation 4729742 (VCV004729742.1).

ClinVar aggregate classification (germline): Uncertain significance (1 of 4 stars; one submission).

Conditions:
Rienhoff syndrome. Also called: LOEYS-DIETZ SYNDROME 5. Identifiers: MedGen C3810012, MONDO:0014262, OMIM 615582.

Submission:

Labcorp Genetics (formerly Invitae), Labcorp
Classification: Uncertain significance for Rienhoff syndrome. Last evaluated: 2025-10-23. Review status: criteria provided, single submitter. Criteria: Invitae Variant Classification Sherloc (09022015). Collection method: clinical testing. Allele origin: germline.
Comment: This sequence change falls in intron 5 of the TGFB3 gene. It does not directly change the encoded amino acid sequence of the TGFB3 protein. This variant is not present in population databases (gnomAD no frequency). This variant has not been reported in the literature in individuals affected with TGFB3-related conditions. Algorithms developed to predict the effect of sequence changes on RNA splicing suggest that this variant may disrupt the consensus splice site. In summary, the available evidence is currently insufficient to determine the role of this variant in disease. Therefore, it has been classified as a Variant of Uncertain Significance.